The following is an entry in ClinVar:

NM_018006.5(TRMU):c.1235_1246del (p.Glu412_Pro415del)

Gene: TRMU (tRNA mitochondrial 2-thiouridylase; plus strand). Cytogenetic location: 22q13.31.
Variant type: Deletion.
Coding change: c.1235_1246del on transcript NM_018006.5 (MANE Select); coding-DNA positions 1235 to 1246, 12 bases deleted (AAGATGGTCCAG).
Protein change: p.Glu412_Pro415del.
Molecular consequence: inframe deletion. On other transcripts: 3 prime UTR variant (2), non-coding transcript variant (2).
Genome position (GRCh38, 1-based): chr22:46,356,975-46,356,986, AAGATGGTCCAG deleted; deleting any 12 consecutive bases within chr22:46,356,971-46,356,986 gives the same sequence; the c. name uses the placement nearest the transcript's 3' end. VCF-style (leftmost placement, unchanged base first): chr22-46356970-CCCAGAAGATGGT-C. GRCh37 (hg19) VCF-style: chr22-46752867-CCCAGAAGATGGT-C.
Other names: c.893_904del, p.Glu298_Pro301del (NM_001282782.2); c.815_826del, p.Glu272_Pro275del (NM_001282783.2); c.*21_*32del (NM_001282784.2, NM_001282785.2).
Identifiers: ClinVar variation 5003574 (VCV005003574.1).

ClinVar aggregate classification (germline): Uncertain significance (1 of 4 stars; one submission).

Conditions:
Acute infantile liver failure due to synthesis defect of mtDNA-encoded proteins. Also called: LIVER FAILURE, INFANTILE, TRANSIENT; TRMU Deficiency; Liver failure acute infantile. Identifiers: Orphanet 217371, MedGen C3278664, MONDO:0013111, OMIM 613070.

Submission:

Myriad Genetics, Inc.
Classification: Uncertain significance for Acute infantile liver failure due to synthesis defect of mtDNA-encoded proteins. Last evaluated: 2025-12-18. Review status: criteria provided, single submitter. Criteria: Myriad Autosomal Dominant, Autosomal Recessive and X-Linked Classification Criteria (2023). Collection method: clinical testing. Allele origin: unknown.
Comment: NM_018006.4(TRMU):c.1235_1246del12(E412_P415del) is an in-frame deletion classified as a variant of uncertain significance in the context of acute liver failure, TRMU-related. E412_P415del has not been observed in cases with relevant disease. Relevant functional assessments of this variant are not available in the literature. E412_P415del has not been observed in referenced population frequency databases. In summary, there is insufficient evidence to classify NM_018006.4(TRMU):c.1235_1246del12(E412_P415del) as pathogenic or benign. Please note: this variant was assessed in the context of healthy population screening.